The following is an entry in ClinVar:

ClinVar aggregate classification (germline): Uncertain significance. Review status: criteria provided, single submitter (1 of 4 stars). 2 submissions from 2 submitters: Uncertain significance (1). 1 of the submissions does not count toward it. Last evaluated 2024-09-05.

Conditions:
SCLT1-related disorder. Also called: SCLT1-related condition.

gnomAD v4.1: 31 of 1,606,100 alleles (0.0019%); highest among the groups gnomAD compares: African/African-American, 0.015%; no homozygotes.

Submissions (2):

Ambry Genetics
Classification: Uncertain significance. Last evaluated: 2024-09-05. Review status: criteria provided, single submitter. Criteria: Ambry Variant Classification Scheme 2023. Collection method: clinical testing. Allele origin: germline.

PreventionGenetics, part of Exact Sciences
Classification: Uncertain significance for SCLT1-related condition. Last evaluated: 2024-09-22. Review status: no assertion criteria provided. Collection method: clinical testing. Allele origin: germline. Not counted in ClinVar's aggregate classification.
Comment: The SCLT1 c.1250G>A variant is predicted to result in the amino acid substitution p.Arg417Gln. To our knowledge, this variant has not been reported in the literature. This variant is reported in 0.024% of alleles in individuals of African descent in gnomAD. At this time, the clinical significance of this variant is uncertain due to the absence of conclusive functional and genetic evidence.

NM_144643.4(SCLT1):c.1250G>A (p.Arg417Gln)

Gene: SCLT1 (sodium channel and clathrin linker 1; minus strand). Cytogenetic location: 4q28.2.
Variant type: single nucleotide variant.
Coding change: c.1250G>A on transcript NM_144643.4 (MANE Select); coding-DNA position 1250, G replaced by A.
Protein change: p.Arg417Gln; replaces arginine 417 with glutamine.
Molecular consequence: missense variant.
Genome position (GRCh38, 1-based): chr4:128,948,539, C>T on the plus strand (G>A on the coding strand, the complement: SCLT1 is on the minus strand). VCF-style: chr4-128948539-C-T. GRCh37 (hg19) VCF-style: chr4-129869694-C-T.
Other names: c.1250G>A, p.Arg417Gln (NM_001410807.1); c.1250G>A (NM_144643.2); short protein forms R417Q.
Identifiers: ClinVar variation 3357717 (VCV003357717.2).
Genomic context (GRCh38, chr4:128,948,539, plus strand): 5'-TTCCTTTTTCTTTTTACCTTTTCTAGTTCTTCTTCCACTGCTTTTTTTTCCTTAATGACT[C>T]GTTCAATTTGGCCTTGTTTTTCAGCACACTCCTATAAATTCAAGTCATATTGTAAATATA-3'
Protein context (NP_653244.2, residues 407-427): ECAEKQGQIE[Arg417Gln]VIKEKKAVEE